The following is an entry in ClinVar:

NM_018943.3(TUBA8):c.376-75G>A

Gene: TUBA8 (tubulin alpha 8; plus strand). Cytogenetic location: 22q11.21.
Variant type: single nucleotide variant.
Coding change: c.376-75G>A on transcript NM_018943.3 (MANE Select); 75 bases into the intron before coding-DNA position 376, G replaced by A.
Molecular consequence: intron variant.
Genome position (GRCh38, 1-based): chr22:18,126,279, G>A. VCF-style: chr22-18126279-G-A. GRCh37 (hg19) VCF-style: chr22-18609046-G-A.
Other names: c.178-75G>A (NM_001193414.2).
Identifiers: ClinVar variation 674610 (VCV000674610.2), dbSNP rs362195, ClinGen allele CA14919787.
Genomic context (GRCh38, chr22:18,126,279, plus strand): 5'-TACTTCTTCAAAGCTGTTTTGATTTCATCCACAAAAAAATATGAGGCAGACAGAGTGGGC[G>A]GTCTGGCTTTTTTACTGTGGGGTGTTCTCGGAAACTTGTCTTCATGATTTCTTCTCATGT-3'

ClinVar aggregate classification (germline): Benign. Review status: criteria provided, multiple submitters, no conflicts (2 of 4 stars). 2 submissions from 2 submitters: Benign (2). Last evaluated 2018-06-19.

Allele frequency attached by ClinVar (database versions not stated): gnomAD 0.05559 and 0.06294; TOPMed 0.05939; 1000 Genomes Project 30x 0.13179; 1000 Genomes Project 0.13798.
gnomAD v4.1: 90,885 of 1,387,972 alleles (6.5%); highest among the groups gnomAD compares: East Asian, 30%; 5,095 homozygotes.

Submissions (2):

GeneDx
Classification: Benign. Last evaluated: 2018-06-19. Review status: criteria provided, single submitter. Criteria: GeneDx Variant Classification (06012015). Collection method: clinical testing. Allele origin: germline. Affected: yes.
Comment: This variant is considered likely benign or benign based on one or more of the following criteria: it is a conservative change, it occurs at a poorly conserved position in the protein, it is predicted to be benign by multiple in silico algorithms, and/or has population frequency not consistent with disease.

Breakthrough Genomics
Classification: Benign. Review status: criteria provided, single submitter. Criteria: ACMG Guidelines, 2015. Collection method: not provided. Allele origin: germline. Inheritance: Autosomal dominant inheritance. Affected: yes.